The following is an entry in ClinVar:

ClinVar aggregate classification (germline): Likely benign (1 of 4 stars; one submission).

Submission:

Mayo Clinic Laboratories, Mayo Clinic
Classification: Likely benign. Last evaluated: 2025-10-31. Review status: criteria provided, single submitter. Criteria: ACMG Guidelines, 2015. Collection method: clinical testing. Allele origin: germline. Observed: 1 variant allele.
Comment: BP4

NM_015374.3(SUN2):c.1115A>C (p.Asp372Ala)

Genes: GTPBP1 (GTP binding protein 1; plus strand), SUN2 (Sad1 and UNC84 domain containing 2; minus strand). Cytogenetic location: 22q13.1.
Variant type: single nucleotide variant.
Coding change: c.1115A>C on transcript NM_015374.3 (MANE Select); coding-DNA position 1115, A replaced by C.
Protein change: p.Asp372Ala; replaces aspartic acid 372 with alanine.
Molecular consequence: missense variant. On other transcripts: intron variant (3).
Genome position (GRCh38, 1-based): chr22:38,741,525, T>G on the plus strand (A>C on the coding strand, the complement: SUN2 is on the minus strand). VCF-style: chr22-38741525-T-G. GRCh37 (hg19) VCF-style: chr22-39137530-T-G.
Other names: p.Asp372Ala; c.1178A>C, p.Asp393Ala (NM_001199579.2, NM_001394428.1); c.1115A>C, p.Asp372Ala (NM_001199580.2, NM_001394431.1, NM_001394432.1 and 5 more transcripts); c.1208A>C, p.Asp403Ala (NM_001394427.1); c.1160A>C, p.Asp387Ala (NM_001394429.1, NM_001394430.1); c.1025A>C, p.Asp342Ala (NM_001394438.1); c.977A>C, p.Asp326Ala (NM_001394439.1, NM_001394440.1, NM_001394441.1); c.623A>C, p.Asp208Ala (NM_001394443.1); and 2 more; short protein forms D208A, D326A, D342A, D372A, D387A, D393A, D403A.
Identifiers: ClinVar variation 4684490 (VCV004684490.1).